The following is an entry in ClinVar:

ClinVar aggregate classification (germline): Uncertain significance. Review status: criteria provided, multiple submitters, no conflicts (2 of 4 stars). 4 submissions from 4 submitters: Uncertain significance (4). Last evaluated 2026-03-12.

Conditions:
OTOG-related disorder. Also called: OTOG-related condition.
Autosomal recessive nonsyndromic hearing loss 18B. Also called: Deafness, autosomal recessive 18b. Identifiers: Orphanet 90636, MedGen C3554163, MONDO:0013985, OMIM 614945.

Allele frequency attached by ClinVar (database versions not stated): TOPMed 0.00004; ExAC 0.00013; gnomAD 0.00013; 1000 Genomes Project 0.00060; 1000 Genomes Project 30x 0.00078.
gnomAD v4.1: 113 of 1,550,252 alleles (0.0073%); highest among the groups gnomAD compares: East Asian, 0.027%; 1 homozygote.

Submissions (4):

PreventionGenetics, part of Exact Sciences
Classification: Uncertain significance for OTOG-related condition. Last evaluated: 2026-03-12. Review status: criteria provided, single submitter. Criteria: ACMG Guidelines, 2015. Collection method: clinical testing. Allele origin: germline.
Comment: The OTOG c.8381C>T variant is predicted to result in the amino acid substitution p.Thr2794Met. To our knowledge, this variant has not been reported in the literature. This variant is reported in 0.057% of alleles in individuals of East Asian descent in gnomAD. Although we suspect that this variant may be benign, at this time, the clinical significance of this variant is uncertain due to the absence of conclusive functional and genetic evidence.

GeneDx
Classification: Uncertain significance. Last evaluated: 2024-12-26. Review status: criteria provided, single submitter. Criteria: GeneDx Variant Classification Process June 2021. Collection method: clinical testing. Allele origin: germline. Affected: yes.
Comment: Identified in a patient with mild bilateral hearing loss and also harbored pathogenic and likely pathogenic variants in other genes associated with hearing loss in published literature (PMID: 34515852); In silico analysis supports that this missense variant has a deleterious effect on protein structure/function; This variant is associated with the following publications: (PMID: 34515852)

Fulgent Genetics
Classification: Uncertain significance for Autosomal recessive nonsyndromic hearing loss 18B. Last evaluated: 2022-02-14. Review status: criteria provided, single submitter. Criteria: ACMG Guidelines, 2015. Collection method: clinical testing. Allele origin: unknown.

Laboratory for Molecular Medicine, Mass General Brigham Personalized Medicine
Classification: Uncertain significance. Last evaluated: 2015-04-20. Review status: criteria provided, single submitter. Criteria: LMM Criteria. Collection method: clinical testing. Allele origin: germline. Observed: 1 variant allele.
Comment: The p.Thr2794Met variant in OTOG has not been previously reported in individuals with hearing loss, but has been identified in 0.21% (1/484) East Asian chromoso mes and in 1/7338 South Asian chromosomes by the Exome Aggregation Consortium (dbSNP rs188322721). Although this variant has be en seen in the general population, its frequency is not high enough to rule out a pathogenic role. Computational prediction tools and conservation analyses do n ot provide strong support for or against an impact to the protein. In summary, a dditional information is needed to fully assess the clinical significance of thi s variant.

NM_001292063.2(OTOG):c.8345C>T (p.Thr2782Met)

Gene: OTOG (otogelin; plus strand). Cytogenetic location: 11p15.1.
Variant type: single nucleotide variant.
Coding change: c.8345C>T on transcript NM_001292063.2 (MANE Select); coding-DNA position 8345, C replaced by T.
Protein change: p.Thr2782Met; replaces threonine 2782 with methionine.
Molecular consequence: missense variant.
Genome position (GRCh38, 1-based): chr11:17,642,176, C>T. VCF-style: chr11-17642176-C-T. GRCh37 (hg19) VCF-style: chr11-17663723-C-T.
Other names: c.8381C>T, p.Thr2794Met (NM_001277269.2); short protein forms T2794M, T2782M.
Identifiers: ClinVar variation 229108 (VCV000229108.13), dbSNP rs188322721, ClinGen allele CA5906277.